The following is an entry in ClinVar:

NM_001852.4(COL9A2):c.1604-44C>T

Gene: COL9A2 (collagen type IX alpha 2 chain; minus strand). Cytogenetic location: 1p34.2.
Variant type: single nucleotide variant.
Coding change: c.1604-44C>T on transcript NM_001852.4 (MANE Select); 44 bases into the intron before coding-DNA position 1604, C replaced by T.
Molecular consequence: intron variant.
Genome position (GRCh38, 1-based): chr1:40,302,853, G>A on the plus strand (C>T on the coding strand, the complement: COL9A2 is on the minus strand). VCF-style: chr1-40302853-G-A. GRCh37 (hg19) VCF-style: chr1-40768525-G-A.
Identifiers: ClinVar variation 679554 (VCV000679554.1), dbSNP rs3737820, ClinGen allele CA791368.

ClinVar aggregate classification (germline): Benign (1 of 4 stars; one submission).

Allele frequency attached by ClinVar (database versions not stated): gnomAD 0.00184 and 0.00281; gnomAD exomes 0.00247 and 0.00639; TOPMed 0.00354; ExAC 0.00491; 1000 Genomes Project 30x 0.01312; 1000 Genomes Project 0.01538.
gnomAD v4.1: 3,821 of 1,524,926 alleles (0.25%); highest among the groups gnomAD compares: East Asian, 8%; 149 homozygotes.

Submission:

GeneDx
Classification: Benign. Last evaluated: 2018-06-14. Review status: criteria provided, single submitter. Criteria: GeneDx Variant Classification (06012015). Collection method: clinical testing. Allele origin: germline. Affected: yes.
Comment: This variant is considered likely benign or benign based on one or more of the following criteria: it is a conservative change, it occurs at a poorly conserved position in the protein, it is predicted to be benign by multiple in silico algorithms, and/or has population frequency not consistent with disease.